The following is an entry in ClinVar:

ClinVar aggregate classification (germline): Likely pathogenic. Review status: criteria provided, multiple submitters, no conflicts (2 of 4 stars). 2 submissions from 2 submitters: Likely pathogenic (2). Last evaluated 2023-10-17.

Conditions:
Inborn genetic diseases. Identifiers: MedGen C0950123, MeSH D030342.
Developmental and epileptic encephalopathy, 11 (DEE11). Also called: Early infantile epileptic encephalopathy 11. Identifiers: Orphanet 1934, MedGen C3150987, MONDO:0013388, OMIM 613721.
Seizures, benign familial infantile, 3 (BFIS3). Also called: CONVULSIONS, BENIGN FAMILIAL INFANTILE, 3; Familial neonatal seizures. Identifiers: Orphanet 140927, Orphanet 306, MedGen C1843140, MONDO:0011904, OMIM 607745.

Submissions (2):

Labcorp Genetics (formerly Invitae), Labcorp
Classification: Likely pathogenic for Seizures, benign familial infantile, 3; Developmental and epileptic encephalopathy, 11. Last evaluated: 2023-10-17. Review status: criteria provided, single submitter. Criteria: Invitae Variant Classification Sherloc (09022015). Collection method: clinical testing. Allele origin: germline.
Comment: This sequence change replaces leucine, which is neutral and non-polar, with tryptophan, which is neutral and slightly polar, at codon 979 of the SCN2A protein (p.Leu979Trp). This variant is not present in population databases (gnomAD no frequency). This variant has not been reported in the literature in individuals affected with SCN2A-related conditions. ClinVar contains an entry for this variant (Variation ID: 985318). Advanced modeling of protein sequence and biophysical properties (such as structural, functional, and spatial information, amino acid conservation, physicochemical variation, residue mobility, and thermodynamic stability) performed at Invitae indicates that this missense variant is expected to disrupt SCN2A protein function. This variant disrupts the p.Leu979 amino acid residue in SCN2A. Other variant(s) that disrupt this residue have been determined to be pathogenic (Invitae). This suggests that this residue is clinically significant, and that variants that disrupt this residue are likely to be disease-causing. In summary, the currently available evidence indicates that the variant is pathogenic, but additional data are needed to prove that conclusively. Therefore, this variant has been classified as Likely Pathogenic.

Ambry Genetics
Classification: Likely pathogenic for Inborn genetic diseases. Last evaluated: 2017-12-27. Review status: criteria provided, single submitter. Criteria: Ambry exome assertion method (8-5-2015). Collection method: clinical testing. Allele origin: germline. Affected: yes. Observed: 1 variant allele.

NM_001040142.2(SCN2A):c.2936T>G (p.Leu979Trp)

Gene: SCN2A (sodium voltage-gated channel alpha subunit 2; plus strand). Cytogenetic location: 2q24.3.
Variant type: single nucleotide variant.
Coding change: c.2936T>G on transcript NM_001040142.2 (MANE Select); coding-DNA position 2936, T replaced by G.
Protein change: p.Leu979Trp; replaces leucine 979 with tryptophan.
Molecular consequence: missense variant.
Genome position (GRCh38, 1-based): chr2:165,354,208, T>G. VCF-style: chr2-165354208-T-G. GRCh37 (hg19) VCF-style: chr2-166210718-T-G.
Other names: c.2936T>G, p.Leu979Trp (NM_001040143.2, NM_001371246.1, NM_001371247.1 and 1 more transcripts); short protein forms L979W.
Identifiers: ClinVar variation 985318 (VCV000985318.6), dbSNP rs1553583544, ClinGen allele CA349019393.